The following is an entry in ClinVar:

NM_016169.4(SUFU):c.933C>A (p.Thr311=)

Gene: SUFU (SUFU negative regulator of hedgehog signaling; plus strand). Cytogenetic location: 10q24.32.
Variant type: single nucleotide variant.
Coding change: c.933C>A on transcript NM_016169.4 (MANE Select); coding-DNA position 933, C replaced by A.
Protein change: p.Thr311=; no amino-acid change (threonine 311 retained).
Molecular consequence: synonymous variant.
Genome position (GRCh38, 1-based): chr10:102,599,455, C>A. VCF-style: chr10-102599455-C-A. GRCh37 (hg19) VCF-style: chr10-104359212-C-A.
Other names: c.933C>A, p.Thr311= (NM_001178133.2).
Identifiers: ClinVar variation 823175 (VCV000823175.15), dbSNP rs767071744, ClinGen allele CA5667821.
Genomic context (GRCh38, chr10:102,599,455, plus strand): 5'-CCACTGGGCCACTGGGCAACTTAGTGGTGTCGTTGCAGACACAGAGCAGATCCGGGAGAC[C>A]CTGAGGAGAGGACTCGAGATCAACAGCAAACCTGTCCTTCCACCAATCAACCCTCAGCGG-3'
Protein context (NP_057253.2, residues 301-321): SGKDTEQIRE[Thr311=]LRRGLEINSK

ClinVar aggregate classification (germline): Likely benign. Review status: criteria provided, multiple submitters, no conflicts (2 of 4 stars). 3 submissions from 3 submitters: Likely benign (2). 1 of the submissions does not count toward it. Last evaluated 2025-10-24.

Conditions:
SUFU-related disorder. Also called: SUFU-related condition; SUFU-related disorders.
Hereditary cancer-predisposing syndrome. Also called: Hereditary Cancer Syndrome; Neoplastic Syndromes, Hereditary; Hereditary neoplastic syndrome; Tumor predisposition. Identifiers: Orphanet 140162, MedGen C0027672, MeSH D009386, MONDO:0015356.
Gorlin syndrome. Also called: Nevoid Basal Cell Carcinoma Syndrome; Basal cell nevus syndrome. Identifiers: Orphanet 377, MedGen C0004779, MONDO:0007187.
Medulloblastoma (MDB). Also called: Medulloblastoma, somatic; MEDULLOBLASTOMA PREDISPOSITION SYNDROME. Identifiers: Orphanet 616, MedGen C0025149, MeSH D008527, MONDO:0007959, OMIM 155255, HP:0002885.

Allele frequency attached by ClinVar (database versions not stated): gnomAD exomes below 0.00001 and 0.00002; TOPMed below 0.00001; gnomAD 0.00001; ExAC 0.00003.

Submissions (3):

Labcorp Genetics (formerly Invitae), Labcorp
Classification: Likely benign for Gorlin syndrome; Medulloblastoma. Last evaluated: 2025-10-24. Review status: criteria provided, single submitter. Criteria: Invitae Variant Classification Sherloc (09022015). Collection method: clinical testing. Allele origin: germline.

Ambry Genetics
Classification: Likely benign for Hereditary cancer-predisposing syndrome. Last evaluated: 2017-11-27. Review status: criteria provided, single submitter. Criteria: Ambry Variant Classification Scheme 2023. Collection method: clinical testing. Allele origin: germline.

PreventionGenetics, part of Exact Sciences
Classification: Likely benign for SUFU-related condition. Last evaluated: 2023-05-19. Review status: no assertion criteria provided. Collection method: clinical testing. Allele origin: germline. Not counted in ClinVar's aggregate classification.
Comment: This variant is classified as likely benign based on ACMG/AMP sequence variant interpretation guidelines (Richards et al. 2015 PMID: 25741868, with internal and published modifications).